The following is an entry in ClinVar:

NM_001048174.2(MUTYH):c.1112C>G (p.Ala371Gly)

Gene: MUTYH (mutY DNA glycosylase; minus strand). Cytogenetic location: 1p34.1.
Variant type: single nucleotide variant.
Coding change: c.1112C>G on transcript NM_001048174.2 (MANE Select); coding-DNA position 1112, C replaced by G.
Protein change: p.Ala371Gly; replaces alanine 371 with glycine.
Molecular consequence: missense variant. On other transcripts: non-coding transcript variant (7).
Genome position (GRCh38, 1-based): chr1:45,331,547, G>C on the plus strand (C>G on the coding strand, the complement: MUTYH is on the minus strand). VCF-style: chr1-45331547-G-C. GRCh37 (hg19) VCF-style: chr1-45797219-G-C.
Other names: c.836C>G, p.Ala279Gly (NM_001293196.2, NM_001407091.1, NM_001293192.2); c.767C>G, p.Ala256Gly (NM_001350650.2, NM_001350651.2, NM_001407082.1); c.1145C>G, p.Ala382Gly (NM_001407069.1, NM_001293191.2, NM_001407077.1); c.1112C>G, p.Ala371Gly (NM_001407070.1, NM_001407072.1, NM_001407073.1 and 6 more transcripts); c.1115C>G, p.Ala372Gly (NM_001407071.1, NM_001048172.2, NM_001407078.1 and 1 more transcripts); c.1028C>G, p.Ala343Gly (NM_001407075.1); c.1187C>G, p.Ala396Gly (NM_012222.3); c.1196C>G, p.Ala399Gly (NM_001128425.2); and 5 more; short protein forms A279G, A357G, A371G, A385G, A256G, A372G, A399G, A343G.
Identifiers: ClinVar variation 4113085 (VCV004113085.1).

ClinVar aggregate classification (germline): Uncertain significance (1 of 4 stars; one submission).

Conditions:
Hereditary cancer-predisposing syndrome. Also called: Tumor predisposition; Neoplastic Syndromes, Hereditary; Hereditary neoplastic syndrome; Hereditary Cancer Syndrome. Identifiers: Orphanet 140162, MedGen C0027672, MeSH D009386, MONDO:0015356.

Submission:

Ambry Genetics
Classification: Uncertain significance for Hereditary cancer-predisposing syndrome. Last evaluated: 2025-08-27. Review status: criteria provided, single submitter. Criteria: Ambry Variant Classification Scheme 2023. Collection method: clinical testing. Allele origin: germline.
Comment: The p.A399G variant (also known as c.1196C>G), located in coding exon 13 of the MUTYH gene, results from a C to G substitution at nucleotide position 1196. The alanine at codon 399 is replaced by glycine, an amino acid with similar properties. This amino acid position is conserved. In addition, this alteration is predicted to be deleterious by in silico analysis. Based on the available evidence, the clinical significance of this variant remains unclear.